The following is an entry in ClinVar:

ClinVar aggregate classification (germline): Likely pathogenic (1 of 4 stars; one submission).

Conditions:
Dilated cardiomyopathy 1G (CMD1G). Identifiers: Orphanet 154, MedGen C1858763, MONDO:0011400, OMIM 604145.
Autosomal recessive limb-girdle muscular dystrophy type 2J (LGMDR10). Also called: Limb-girdle muscular dystrophy, type 2J; MUSCULAR DYSTROPHY, LIMB-GIRDLE, AUTOSOMAL RECESSIVE 10. Identifiers: Orphanet 140922, MedGen C1837342, MONDO:0012127, OMIM 608807.

Submission:

Labcorp Genetics (formerly Invitae), Labcorp
Classification: Likely pathogenic for Dilated cardiomyopathy 1G; Autosomal recessive limb-girdle muscular dystrophy type 2J. Last evaluated: 2024-10-18. Review status: criteria provided, single submitter. Criteria: Invitae Variant Classification Sherloc (09022015). Collection method: clinical testing. Allele origin: germline.
Comment: This sequence change creates a premature translational stop signal (p.Gly17681*) in the TTN gene. While this is not anticipated to result in nonsense mediated decay, it is expected to create a truncated TTN protein. This variant is not present in population databases (gnomAD no frequency). This variant has not been reported in the literature in individuals affected with TTN-related conditions. This variant is located in the A band of TTN (PMID: 25589632). Truncating variants in this region are significantly overrepresented in patients affected with dilated cardiomyopathy (PMID: 25589632). Truncating variants in this region have also been reported in individuals affected with autosomal recessive centronuclear myopathy (PMID: 23975875). In summary, the currently available evidence indicates that the variant is pathogenic, but additional data are needed to prove that conclusively. Therefore, this variant has been classified as Likely Pathogenic.

Literature cited by the submitters: PubMed 25589632; PubMed 23975875.

NM_001267550.2(TTN):c.53041G>T (p.Gly17681Ter)

Genes: TTN-AS1 (TTN antisense RNA 1; plus strand), TTN (titin; minus strand), LOC126806425 (BRD4-independent group 4 enhancer GRCh37_chr2:179471933-179473132; plus strand). Cytogenetic location: 2q31.2.
Variant type: single nucleotide variant.
Coding change: c.53041G>T on transcript NM_001267550.2 (MANE Select); coding-DNA position 53041, G replaced by T.
Protein change: p.Gly17681Ter; replaces glycine 17681 with a stop codon.
Molecular consequence: nonsense.
Genome position (GRCh38, 1-based): chr2:178,607,647, C>A on the plus strand (G>T on the coding strand, the complement: TTN is on the minus strand). VCF-style: chr2-178607647-C-A. GRCh37 (hg19) VCF-style: chr2-179472374-C-A.
Other names: c.48118G>T, p.Gly16040Ter (NM_001256850.1); c.25846G>T, p.Gly8616Ter (NM_003319.4); c.45337G>T, p.Gly15113Ter (NM_133378.4); c.26221G>T, p.Gly8741Ter (NM_133432.3); c.26422G>T, p.Gly8808Ter (NM_133437.4); short protein forms G17681*, G8741*, G16040*, G8616*, G15113*, G8808*.
Identifiers: ClinVar variation 2948365 (VCV002948365.3), dbSNP rs2055221235, ClinGen allele CA349568696.